The following is an entry in ClinVar:

NM_004035.7(ACOX1):c.1460A>G (p.Tyr487Cys)

Gene: ACOX1 (acyl-CoA oxidase 1; minus strand). Cytogenetic location: 17q25.1.
Variant type: single nucleotide variant.
Coding change: c.1460A>G on transcript NM_004035.7 (MANE Select); coding-DNA position 1460, A replaced by G.
Protein change: p.Tyr487Cys; replaces tyrosine 487 with cysteine.
Molecular consequence: missense variant.
Genome position (GRCh38, 1-based): chr17:75,949,736, T>C on the plus strand (A>G on the coding strand, the complement: ACOX1 is on the minus strand). VCF-style: chr17-75949736-T-C. GRCh37 (hg19) VCF-style: chr17-73945817-T-C.
Other names: c.1346A>G, p.Tyr449Cys (NM_001185039.2); c.1460A>G, p.Tyr487Cys (NM_007292.6); short protein forms Y449C, Y487C.
Identifiers: ClinVar variation 4074406 (VCV004074406.1).
Genomic context (GRCh38, chr17:75,949,736, plus strand): 5'-AGCCCCACTGCTGCGTATTCTAGCTCTTGAGGGAGAGCTCACCTGGCTGCACGGAGTTTA[T>C]ATGCTTCGGTTAGGCTTTCGGGGCTGTTGATATCCACCATGGTTGGCCAGACTGCTACCT-3'
Protein context (NP_004026.2, residues 477-497): INSPESLTEA[Tyr487Cys]KLRAARLVEI

ClinVar aggregate classification (germline): Uncertain significance (1 of 4 stars; one submission).

Submission:

GeneDx
Classification: Uncertain significance. Last evaluated: 2025-01-29. Review status: criteria provided, single submitter. Criteria: GeneDx Variant Classification Process June 2021. Collection method: clinical testing. Allele origin: germline. Affected: yes.
Comment: Not observed at significant frequency in large population cohorts (gnomAD); In silico analysis supports that this missense variant has a deleterious effect on protein structure/function; Has not been previously published as pathogenic or benign to our knowledge